The following is an entry in ClinVar:

NM_001024845.3(SLC6A9):c.1441C>T (p.Arg481Trp)

Gene: SLC6A9 (solute carrier family 6 member 9; minus strand). Cytogenetic location: 1p34.1.
Variant type: single nucleotide variant.
Coding change: c.1441C>T on transcript NM_001024845.3 (MANE Select); coding-DNA position 1441, C replaced by T.
Protein change: p.Arg481Trp; replaces arginine 481 with tryptophan.
Molecular consequence: missense variant. On other transcripts: non-coding transcript variant (1).
Genome position (GRCh38, 1-based): chr1:44,000,862, G>A on the plus strand (C>T on the coding strand, the complement: SLC6A9 is on the minus strand). VCF-style: chr1-44000862-G-A. GRCh37 (hg19) VCF-style: chr1-44466534-G-A.
Other names: c.1453C>T, p.Arg485Trp (NM_001261380.2); c.1108C>T, p.Arg370Trp (NM_001328626.2, NM_001328630.2); c.1378C>T, p.Arg460Trp (NM_001328627.1); c.1246C>T, p.Arg416Trp (NM_001328628.1); c.1441C>T, p.Arg481Trp (NM_001328629.1); c.1498C>T, p.Arg500Trp (NM_006934.4); c.1660C>T, p.Arg554Trp (NM_201649.4); short protein forms R416W, R554W, R370W, R481W, R500W, R460W, R485W.
Identifiers: ClinVar variation 1369503 (VCV001369503.6), dbSNP rs755142891, ClinGen allele CA817476.

ClinVar aggregate classification (germline): Uncertain significance (1 of 4 stars; one submission).

Conditions:
Atypical glycine encephalopathy. Also called: Glycine encephalopathy with normal serum glycine. Identifiers: Orphanet 289863, MedGen C4310943, MONDO:0015010, OMIM 617301.

Allele frequency attached by ClinVar (database versions not stated): ExAC 0.00001; gnomAD 0.00001; gnomAD exomes 0.00001; TOPMed 0.00001.
gnomAD v4.1: 14 of 1,607,326 alleles (0.00087%); highest among the groups gnomAD compares: East Asian, 0.0022%; no homozygotes.

Submission:

Labcorp Genetics (formerly Invitae), Labcorp
Classification: Uncertain significance for Atypical glycine encephalopathy. Last evaluated: 2022-06-05. Review status: criteria provided, single submitter. Criteria: Invitae Variant Classification Sherloc (09022015). Collection method: clinical testing. Allele origin: germline.
Comment: This variant is present in population databases (rs755142891, gnomAD 0.01%). In summary, the available evidence is currently insufficient to determine the role of this variant in disease. Therefore, it has been classified as a Variant of Uncertain Significance. Algorithms developed to predict the effect of missense changes on protein structure and function (SIFT, PolyPhen-2, Align-GVGD) all suggest that this variant is likely to be disruptive. ClinVar contains an entry for this variant (Variation ID: 1369503). This variant has not been reported in the literature in individuals affected with SLC6A9-related conditions. This sequence change replaces arginine, which is basic and polar, with tryptophan, which is neutral and slightly polar, at codon 554 of the SLC6A9 protein (p.Arg554Trp).